The following is an entry in ClinVar:

ClinVar aggregate classification (germline): Uncertain significance (1 of 4 stars; one submission).

Submission:

Ambry Genetics
Classification: Uncertain significance. Last evaluated: 2023-09-01. Review status: criteria provided, single submitter. Criteria: Ambry Variant Classification Scheme 2023. Collection method: clinical testing. Allele origin: germline.
Comment: The p.Y647C variant (also known as c.1940A>G), located in coding exon 18 of the PRKDC gene, results from an A to G substitution at nucleotide position 1940. The tyrosine at codon 647 is replaced by cysteine, an amino acid with highly dissimilar properties. This amino acid position is conserved. In addition, this alteration is predicted to be tolerated by in silico analysis. Since supporting evidence is limited at this time, the clinical significance of this alteration remains unclear.

NM_006904.7(PRKDC):c.1940A>G (p.Tyr647Cys)

Gene: PRKDC (protein kinase, DNA-activated, catalytic subunit; minus strand). Cytogenetic location: 8q11.21.
Variant type: single nucleotide variant.
Coding change: c.1940A>G on transcript NM_006904.7 (MANE Select); coding-DNA position 1940, A replaced by G.
Protein change: p.Tyr647Cys; replaces tyrosine 647 with cysteine.
Molecular consequence: missense variant.
Genome position (GRCh38, 1-based): chr8:47,929,965, T>C on the plus strand (A>G on the coding strand, the complement: PRKDC is on the minus strand). VCF-style: chr8-47929965-T-C. GRCh37 (hg19) VCF-style: chr8-48842525-T-C.
Other names: c.1940A>G, p.Tyr647Cys (NM_001081640.2); short protein forms Y647C.
Identifiers: ClinVar variation 2626361 (VCV002626361.2), dbSNP rs2551878634, ClinGen allele CA371164315.